The following is an entry in ClinVar:

NM_020780.2(DISP3):c.1596C>T (p.Asp532=)

Gene: DISP3 (dispatched RND transporter family member 3; plus strand). Cytogenetic location: 1p36.22.
Variant type: single nucleotide variant.
Coding change: c.1596C>T on transcript NM_020780.2 (MANE Select); coding-DNA position 1596, C replaced by T.
Protein change: p.Asp532=; no amino-acid change (aspartic acid 532 retained).
Molecular consequence: synonymous variant.
Genome position (GRCh38, 1-based): chr1:11,516,008, C>T. VCF-style: chr1-11516008-C-T. GRCh37 (hg19) VCF-style: chr1-11576065-C-T.
Identifiers: ClinVar variation 3049902 (VCV003049902.2), dbSNP rs191060565, ClinGen allele CA591703.

ClinVar aggregate classification (germline): Benign (0 of 4 stars; one submission).

Conditions:
DISP3-related disorder. Also called: DISP3-related condition.

Allele frequency attached by ClinVar (database versions not stated): gnomAD exomes 0.00036; gnomAD 0.00054; TOPMed 0.00062; ExAC 0.00093; 1000 Genomes Project 30x 0.00312; 1000 Genomes Project 0.00319.
gnomAD v4.1: 615 of 1,613,816 alleles (0.038%); highest among the groups gnomAD compares: East Asian, 0.72%; 3 homozygotes.

Submission:

PreventionGenetics, part of Exact Sciences
Classification: Benign for DISP3-related condition. Last evaluated: 2019-07-23. Review status: no assertion criteria provided. Collection method: clinical testing. Allele origin: germline.
Comment: This variant is classified as benign based on ACMG/AMP sequence variant interpretation guidelines (Richards et al. 2015 PMID: 25741868, with internal and published modifications).